The following is an entry in ClinVar:

ClinVar aggregate classification (germline): Uncertain significance (1 of 4 stars; one submission).

Conditions:
Cardiovascular phenotype. Identifiers: MedGen CN230736.

Allele frequency attached by ClinVar (database versions not stated): TOPMed below 0.00001.
gnomAD v4.1: 10 of 1,612,696 alleles (0.00062%); highest among the groups gnomAD compares: Non-Finnish European, 0.00085%; no homozygotes.

Submission:

Ambry Genetics
Classification: Uncertain significance for Cardiovascular phenotype. Last evaluated: 2023-05-11. Review status: criteria provided, single submitter. Criteria: Ambry Variant Classification Scheme 2023. Collection method: clinical testing. Allele origin: germline.
Comment: The p.H2256L variant (also known as c.6767A>T), located in coding exon 18 of the TNXB gene, results from an A to T substitution at nucleotide position 6767. The histidine at codon 2256 is replaced by leucine, an amino acid with similar properties. This amino acid position is conserved. In addition, this alteration is predicted to be tolerated by in silico analysis. Since supporting evidence is limited at this time, the clinical significance of this alteration remains unclear.

NM_001365276.2(TNXB):c.6767A>T (p.His2256Leu)

Gene: TNXB (tenascin XB; minus strand). Cytogenetic location: 6p21.33.
Variant type: single nucleotide variant.
Coding change: c.6767A>T on transcript NM_001365276.2 (MANE Select); coding-DNA position 6767, A replaced by T.
Protein change: p.His2256Leu; replaces histidine 2256 with leucine.
Molecular consequence: missense variant.
Genome position (GRCh38, 1-based): chr6:32,064,895, T>A on the plus strand (A>T on the coding strand, the complement: TNXB is on the minus strand). VCF-style: chr6-32064895-T-A. GRCh37 (hg19) VCF-style: chr6-32032672-T-A.
Other names: c.6767A>T, p.His2256Leu (NM_019105.8); short protein forms H2256L.
Identifiers: ClinVar variation 2565741 (VCV002565741.2), dbSNP rs1332267129, ClinGen allele CA363555135.